The following is an entry in ClinVar:

ClinVar aggregate classification (germline): Benign (1 of 4 stars; one submission).

Conditions:
Stargardt disease 3. Also called: MACULAR DYSTROPHY WITH FLECKS, TYPE 3; STARGARDT-LIKE MACULAR DYSTROPHY, AUTOSOMAL DOMINANT. Identifiers: Orphanet 827, MedGen C1838644, MONDO:0010819, OMIM 600110.

Allele frequency attached by ClinVar (database versions not stated): gnomAD exomes 0.11229; gnomAD 0.15372 and 0.16005; TOPMed 0.16179; 1000 Genomes Project 30x 0.23938; 1000 Genomes Project 0.24161.
gnomAD v4.1: 24,364 of 152,646 alleles (16%); highest among the groups gnomAD compares: South Asian, 36%; 2,232 homozygotes.

Submission:

Illumina Laboratory Services, Illumina
Classification: Benign for Stargardt disease 3. Last evaluated: 2018-01-13. Review status: criteria provided, single submitter. Criteria: ICSL Variant Classification Criteria 13 December 2019. Collection method: clinical testing. Allele origin: germline.
Comment: This variant was observed in the ICSL laboratory as part of a predisposition screen in an ostensibly healthy population. It had not been previously curated by ICSL or reported in the Human Gene Mutation Database (HGMD: prior to June 1st, 2018), and was therefore a candidate for classification through an automated scoring system. Utilizing variant allele frequency, disease prevalence and penetrance estimates, and inheritance mode, an automated score was calculated to assess if this variant is too frequent to cause the disease. Based on the score and internal cut-off values, a variant classified as benign is not then subjected to further curation. The score for this variant resulted in a classification of benign for this disease.

NM_022726.4(ELOVL4):c.*667T>C

Gene: ELOVL4 (ELOVL fatty acid elongase 4; minus strand). Cytogenetic location: 6q14.1.
Variant type: single nucleotide variant.
Coding change: c.*667T>C on transcript NM_022726.4 (MANE Select); 667 bases downstream of the stop codon, T replaced by C.
Molecular consequence: 3 prime UTR variant.
Genome position (GRCh38, 1-based): chr6:79,915,941, A>G on the plus strand (T>C on the coding strand, the complement: ELOVL4 is on the minus strand). VCF-style: chr6-79915941-A-G. GRCh37 (hg19) VCF-style: chr6-80625658-A-G.
Identifiers: ClinVar variation 358132 (VCV000358132.5), dbSNP rs16891260, ClinGen allele CA10624769.
Genomic context (GRCh38, chr6:79,915,941, plus strand): 5'-AGTATTCAAATGCTGCCTTTTCATCACAAAAAATTGTTTCCCCACAGTGATTTGTGCCTC[A>G]AGTCATGGTGATCTCTGGGTCACCAGACAAGACTTTACTGCAATTCTTTCTTATTTTCAC-3'